The following is an entry in ClinVar:

ClinVar aggregate classification (germline): Uncertain significance. Review status: criteria provided, multiple submitters, no conflicts (2 of 4 stars). 2 submissions from 2 submitters: Uncertain significance (2). Last evaluated 2025-01-20.

Conditions:
Charcot-Marie-Tooth disease type 4A. Also called: Charcot-Marie-Tooth disease, demyelinating, autosomal recessive, type 4a. Identifiers: Orphanet 99948, MedGen C1859198, MONDO:0008961, OMIM 214400.

gnomAD v4.1: 2 of 1,613,814 alleles (0.00012%); highest among the groups gnomAD compares: Non-Finnish European, 0.00017%; no homozygotes.

Submissions (2):

GeneDx
Classification: Uncertain significance. Last evaluated: 2025-01-20. Review status: criteria provided, single submitter. Criteria: GeneDx Variant Classification Process June 2021. Collection method: clinical testing. Allele origin: germline. Affected: yes.
Comment: Not observed at significant frequency in large population cohorts (gnomAD); In silico analysis indicates that this missense variant does not alter protein structure/function; Has not been previously published as pathogenic or benign to our knowledge

Labcorp Genetics (formerly Invitae), Labcorp
Classification: Uncertain significance for Charcot-Marie-Tooth disease type 4A. Last evaluated: 2024-04-29. Review status: criteria provided, single submitter. Criteria: Invitae Variant Classification Sherloc (09022015). Collection method: clinical testing. Allele origin: germline.
Comment: This sequence change replaces arginine, which is basic and polar, with lysine, which is basic and polar, at codon 15 of the GDAP1 protein (p.Arg15Lys). This variant is not present in population databases (gnomAD no frequency). This variant has not been reported in the literature in individuals affected with GDAP1-related conditions. Advanced modeling of protein sequence and biophysical properties (such as structural, functional, and spatial information, amino acid conservation, physicochemical variation, residue mobility, and thermodynamic stability) performed at Invitae indicates that this missense variant is not expected to disrupt GDAP1 protein function with a negative predictive value of 95%. In summary, the available evidence is currently insufficient to determine the role of this variant in disease. Therefore, it has been classified as a Variant of Uncertain Significance.

NM_018972.4(GDAP1):c.44G>A (p.Arg15Lys)

Genes: GDAP1 (ganglioside induced differentiation associated protein 1; plus strand), LOC130000622 (ATAC-STARR-seq lymphoblastoid active region 27542; plus strand). Cytogenetic location: 8q21.11.
Variant type: single nucleotide variant.
Coding change: c.44G>A on transcript NM_018972.4 (MANE Select); coding-DNA position 44, G replaced by A.
Protein change: p.Arg15Lys; replaces arginine 15 with lysine.
Molecular consequence: missense variant. On other transcripts: 5 prime UTR variant (2), intron variant (1).
Genome position (GRCh38, 1-based): chr8:74,350,505, G>A. VCF-style: chr8-74350505-G-A. GRCh37 (hg19) VCF-style: chr8-75262740-G-A.
Other names: c.-139G>A (NM_001362929.2); c.44G>A, p.Arg15Lys (NM_001362930.2, NM_001362931.2); c.-91G>A (NM_001362932.2); c.-64+33G>A (NM_001040875.4); short protein forms R15K.
Identifiers: ClinVar variation 3682756 (VCV003682756.3).